The following is an entry in ClinVar:

NM_001364905.1(LRBA):c.7700A>G (p.Asn2567Ser)

Gene: LRBA (LPS responsive beige-like anchor protein; minus strand). Cytogenetic location: 4q31.3.
Variant type: single nucleotide variant.
Coding change: c.7700A>G on transcript NM_001364905.1 (MANE Select); coding-DNA position 7700, A replaced by G.
Protein change: p.Asn2567Ser; replaces asparagine 2567 with serine.
Molecular consequence: missense variant.
Genome position (GRCh38, 1-based): chr4:150,310,378, T>C on the plus strand (A>G on the coding strand, the complement: LRBA is on the minus strand). VCF-style: chr4-150310378-T-C. GRCh37 (hg19) VCF-style: chr4-151231530-T-C.
Other names: c.7700A>G, p.Asn2567Ser (NM_001199282.3); c.7715A>G, p.Asn2572Ser (NM_001367550.1); c.7733A>G, p.Asn2578Ser (NM_006726.5); short protein forms N2572S, N2567S, N2578S.
Identifiers: ClinVar variation 1041889 (VCV001041889.7), dbSNP rs138569653, ClinGen allele CA3101541.
Genomic context (GRCh38, chr4:150,310,378, plus strand): 5'-GAATGCACTTGAATACTTTGGTCTAAAAGGTCAGTGATTTGCCTCCTGTGCATTCCTGTA[T>C]TGCTGGCTGTAAGAATAGGGAGGAAAAACAACTATTAAATCCACATGGGCAAAGAAATTC-3'
Protein context (NP_001351834.1, residues 2557-2577): PVEIDPLIAS[Asn2567Ser]TGMHRRQITD

ClinVar aggregate classification (germline): Uncertain significance. Review status: criteria provided, multiple submitters, no conflicts (2 of 4 stars). 2 submissions from 2 submitters: Uncertain significance (2). Last evaluated 2022-04-14.

Conditions:
Combined immunodeficiency due to LRBA deficiency. Also called: Common variable immunodeficiency 8, with autoimmunity. Identifiers: Orphanet 445018, MedGen C3553512, MONDO:0013863, OMIM 614700.

Allele frequency attached by ClinVar (database versions not stated): ExAC 0.00001; gnomAD 0.00001; TOPMed 0.00001; ESP Exome Variant Server 0.00008.
gnomAD v4.1: 3 of 1,612,142 alleles (0.00019%); highest among the groups gnomAD compares: Non-Finnish European, 0.00025%; no homozygotes.

Submissions (2):

Blueprint Genetics
Classification: Uncertain significance. Last evaluated: 2022-04-14. Review status: criteria provided, single submitter. Criteria: ACMG Guidelines, 2015. Collection method: clinical testing. Allele origin: germline.

Labcorp Genetics (formerly Invitae), Labcorp
Classification: Uncertain significance for Combined immunodeficiency due to LRBA deficiency. Last evaluated: 2021-09-01. Review status: criteria provided, single submitter. Criteria: Invitae Variant Classification Sherloc (09022015). Collection method: clinical testing. Allele origin: germline.
Comment: This sequence change replaces asparagine with serine at codon 2578 of the LRBA protein (p.Asn2578Ser). The asparagine residue is weakly conserved and there is a small physicochemical difference between asparagine and serine. This variant is present in population databases (rs138569653, ExAC 0.002%). This variant has not been reported in the literature in individuals affected with LRBA-related conditions. Algorithms developed to predict the effect of missense changes on protein structure and function output the following: SIFT: "Tolerated"; PolyPhen-2: "Benign"; Align-GVGD: "Class C0". The serine amino acid residue is found in multiple mammalian species, which suggests that this missense change does not adversely affect protein function. In summary, the available evidence is currently insufficient to determine the role of this variant in disease. Therefore, it has been classified as a Variant of Uncertain Significance.